The following is an entry in ClinVar:

ClinVar aggregate classification (germline): Benign/Likely benign. Review status: criteria provided, single submitter (1 of 4 stars). 2 submissions from 1 submitter: Benign (1); Likely benign (1). Last evaluated 2018-01-13.

Conditions:
Adult-onset proximal spinal muscular atrophy, autosomal dominant. Also called: FINKEL LATE-ADULT TYPE SMA; Spinal muscular atrophy, late-onset, finkel type. Identifiers: Orphanet 209335, MedGen C1854058, MONDO:0008453, OMIM 182980.
Amyotrophic lateral sclerosis type 8 (ALS8). Identifiers: Orphanet 803, MedGen C1837728, MONDO:0012077, OMIM 608627.

Allele frequency attached by ClinVar (database versions not stated): ExAC 0.00009; gnomAD exomes 0.00032; gnomAD 0.00153 and 0.00163; TOPMed 0.00170; 1000 Genomes Project 0.00200; 1000 Genomes Project 30x 0.00219.
gnomAD v4.1: 294 of 454,086 alleles (0.065%); highest among the groups gnomAD compares: African/African-American, 0.49%; no homozygotes.

Submissions (2):

Illumina Laboratory Services, Illumina
Classification: Benign for Amyotrophic lateral sclerosis type 8. Last evaluated: 2018-01-13. Review status: criteria provided, single submitter. Criteria: ICSL Variant Classification Criteria 13 December 2019. Collection method: clinical testing. Allele origin: germline.
Comment: This variant was observed in the ICSL laboratory as part of a predisposition screen in an ostensibly healthy population. It had not been previously curated by ICSL or reported in the Human Gene Mutation Database (HGMD: prior to June 1st, 2018), and was therefore a candidate for classification through an automated scoring system. Utilizing variant allele frequency, disease prevalence and penetrance estimates, and inheritance mode, an automated score was calculated to assess if this variant is too frequent to cause the disease. Based on the score and internal cut-off values, a variant classified as benign is not then subjected to further curation. The score for this variant resulted in a classification of benign for this disease.

Illumina Laboratory Services, Illumina
Classification: Likely benign for Adult-onset proximal spinal muscular atrophy, autosomal dominant. Last evaluated: 2018-01-13. Review status: criteria provided, single submitter. Criteria: ICSL Variant Classification Criteria 13 December 2019. Collection method: clinical testing. Allele origin: germline.
Comment: This variant was observed in the ICSL laboratory as part of a predisposition screen in an ostensibly healthy population. It had not been previously curated by ICSL or reported in the Human Gene Mutation Database (HGMD: prior to June 1st, 2018), and was therefore a candidate for classification through an automated scoring system. Utilizing variant allele frequency, disease prevalence and penetrance estimates, and inheritance mode, an automated score was calculated to assess if this variant is too frequent to cause the disease. Based on the score and internal cut-off values, a variant classified as likely benign is not then subjected to further curation. The score for this variant resulted in a classification of likely benign for this disease.

NM_004738.5(VAPB):c.*2320T>A

Gene: VAPB (VAMP associated protein B and C; plus strand). Cytogenetic location: 20q13.32.
Variant type: single nucleotide variant.
Coding change: c.*2320T>A on transcript NM_004738.5 (MANE Select); 2320 bases downstream of the stop codon, T replaced by A.
Molecular consequence: 3 prime UTR variant. On other transcripts: non-coding transcript variant (1).
Genome position (GRCh38, 1-based): chr20:58,446,555, T>A. VCF-style: chr20-58446555-T-A. GRCh37 (hg19) VCF-style: chr20-57021611-T-A.
Other names: c.*2390T>A (NM_001195677.2).
Identifiers: ClinVar variation 338959 (VCV000338959.6), dbSNP rs181028077, ClinGen allele CA9924492.
Genomic context (GRCh38, chr20:58,446,555, plus strand): 5'-CGGGTCATGGGATTTGGCTTGTGAGTCTGTAACAGTTCTTAAAAAGAATATCTGAGAAAC[T>A]ACTCTGTTTTAGACCTTTGAAGGTGATTTAGAGTTTTGTGTACATCTAGGAGAAGGTGTT-3'